The following is an entry in ClinVar:

ClinVar aggregate classification (germline): Pathogenic (1 of 4 stars; one submission).

Conditions:
Neuromuscular disease caused by qualitative or quantitative defects of dystrophin. Also called: Qualitative or quantitative defects of dystrophin. Identifiers: Orphanet 207085, MedGen C5679787, MONDO:0016147.

Submission:

Women's Health and Genetics/Laboratory Corporation of America, LabCorp
Classification: Pathogenic for Neuromuscular disease caused by qualitative or quantitative defects of dystrophin. Last evaluated: 2026-01-19. Review status: criteria provided, single submitter. Criteria: LabCorp Variant Classification Summary - May 2015. Collection method: clinical testing. Allele origin: germline.
Comment: Variant summary: The variant involves the duplication of exons 3-7 in the DMD gene. It is assumed to be a tandem duplication in direct orientation (PMIDs: 25640679, 30054569). This Copy Number Variant (CNV) is expected to alter the reading frame and predicted to result in a truncation or absence of the encoded protein due to nonsense mediated decay (NMD). Loss-of-function variants in this gene are known to be pathogenic. A presumed nomenclature of c.(93+1_94-1)_(649+1_650-1)dup has been designated for the purposes of this classification. The variant was absent in 16005 control chromosomes. c.(93+1_94-1)_(649+1_650-1)dup has been observed in individual(s) affected with Dystrophinopathies (example: Ishmukhametova_2012, Janssen_2005, Luce_2016). These data indicate that the variant is likely to be associated with disease. To our knowledge, no experimental evidence demonstrating an impact on protein function has been reported. ClinVar contains an entry for this variant (Variation ID: 583527). Based on the evidence outlined above, the variant was classified as pathogenic.

Literature cited by the submitters: PubMed 15655674; PubMed 27206868; PubMed 22510846; PubMed 24835530.

NC_000023.10:g.(32717411_32827609)_(32867938_33038255)dup

Gene: DMD (dystrophin; minus strand). Cytogenetic location: Xp21.1.
Variant type: Duplication.
Identifiers: ClinVar variation 4689260 (VCV004689260.1).